The following is an entry in ClinVar:

ClinVar aggregate classification (germline): Uncertain significance (1 of 4 stars; one submission).

Submission:

Labcorp Genetics (formerly Invitae), Labcorp
Classification: Uncertain significance. Last evaluated: 2022-12-31. Review status: criteria provided, single submitter. Criteria: Invitae Variant Classification Sherloc (09022015). Collection method: clinical testing. Allele origin: germline.
Comment: In summary, the available evidence is currently insufficient to determine the role of this variant in disease. Therefore, it has been classified as a Variant of Uncertain Significance. This variant has not been reported in the literature in individuals affected with LZTR1-related conditions. This variant is not present in population databases (gnomAD no frequency). This variant, c.1886_1888dup, results in the insertion of 1 amino acid(s) of the LZTR1 protein (p.Val629_Arg630insLeu), but otherwise preserves the integrity of the reading frame.

NM_006767.4(LZTR1):c.1886_1888dup (p.Val629_Arg630insLeu)

Gene: LZTR1 (leucine zipper like post translational regulator 1; plus strand). Cytogenetic location: 22q11.21.
Variant type: Duplication.
Coding change: c.1886_1888dup on transcript NM_006767.4 (MANE Select); coding-DNA positions 1886 to 1888, 3 bases duplicated (TGC; older notation c.1886_1888dupTGC).
Protein change: p.Val629_Arg630insLeu.
Molecular consequence: inframe insertion.
Genome position (GRCh38, 1-based): chr22:20,994,970-20,994,972, TGC duplicated. VCF-style (leftmost placement, unchanged base first): chr22-20994969-G-GTGC. GRCh37 (hg19) VCF-style: chr22-21349258-G-GTGC.
Identifiers: ClinVar variation 2825597 (VCV002825597.3), dbSNP rs2518622545, ClinGen allele CA2739267815.